The following is an entry in ClinVar:

ClinVar aggregate classification (germline): Benign (1 of 4 stars; one submission).

Allele frequency attached by ClinVar (database versions not stated): gnomAD 0.03830 and 0.03982; TOPMed 0.04219; 1000 Genomes Project 0.05252; 1000 Genomes Project 30x 0.05403.
gnomAD v4.1: 5,783 of 152,094 alleles (3.8%); highest among the groups gnomAD compares: African/African-American, 11%; 312 homozygotes.

Submission:

GeneDx
Classification: Benign. Last evaluated: 2018-06-18. Review status: criteria provided, single submitter. Criteria: GeneDx Variant Classification (06012015). Collection method: clinical testing. Allele origin: germline. Affected: yes.
Comment: This variant is considered likely benign or benign based on one or more of the following criteria: it is a conservative change, it occurs at a poorly conserved position in the protein, it is predicted to be benign by multiple in silico algorithms, and/or has population frequency not consistent with disease.

NM_000540.3(RYR1):c.270+322A>C

Gene: RYR1 (ryanodine receptor 1; plus strand). Cytogenetic location: 19q13.2.
Variant type: single nucleotide variant.
Coding change: c.270+322A>C on transcript NM_000540.3 (MANE Select); 322 bases into the intron after coding-DNA position 270, A replaced by C.
Molecular consequence: intron variant.
Genome position (GRCh38, 1-based): chr19:38,442,775, A>C. VCF-style: chr19-38442775-A-C. GRCh37 (hg19) VCF-style: chr19-38933415-A-C.
Other names: c.270+322A>C (NM_001042723.2).
Identifiers: ClinVar variation 681022 (VCV000681022.1), dbSNP rs73552302, ClinGen allele CA308110508.